The following is an entry in ClinVar:

ClinVar aggregate classification (germline): Conflicting classifications of pathogenicity. Review status: criteria provided, conflicting classifications (1 of 4 stars). 7 submissions from 7 submitters: Uncertain significance (1); Benign (1); Likely benign (5). Last evaluated 2025-12-10.

Conditions:
Juvenile polyposis syndrome (JPS). Identifiers: Orphanet 2929, MedGen C0345893, MONDO:0017380, OMIM 174900.
SMAD4-related disorder. Also called: SMAD4-Related disorders; SMAD4-related condition.
Hereditary cancer-predisposing syndrome. Also called: Neoplastic Syndromes, Hereditary; Hereditary Cancer Syndrome; Tumor predisposition; Hereditary neoplastic syndrome. Identifiers: Orphanet 140162, MedGen C0027672, MeSH D009386, MONDO:0015356.
Familial thoracic aortic aneurysm and aortic dissection (TAAD). Also called: Thoracic aortic aneurysms and dissections. Identifiers: Orphanet 91387, MedGen C4707243, MONDO:0019625.
Juvenile polyposis/hereditary hemorrhagic telangiectasia syndrome (JPHT). Also called: POLYPOSIS, GENERALIZED JUVENILE, WITH PULMONARY ARTERIOVENOUS MALFORMATION; TELANGIECTASIA, HEREDITARY HEMORRHAGIC, WITH JUVENILE POLYPOSIS COLI; JP/HHT SYNDROME; JUVENILE POLYPOSIS WITH HEREDITARY HEMORRHAGIC TELANGIECTASIA; Juvenile Polyposis Syndrome / Hereditary Hemorrhagic Telangiectasia (JPS/HHT). Identifiers: Orphanet 2929, MedGen C1832942, MONDO:0008278, OMIM 175050.

Allele frequency attached by ClinVar (database versions not stated): TOPMed below 0.00001; gnomAD 0.00001.
gnomAD v4.1: 1 of 1,612,686 alleles (0.000062%); highest among the groups gnomAD compares: Non-Finnish European, 0.000085%; no homozygotes.

Submissions (7):

Labcorp Genetics (formerly Invitae), Labcorp
Classification: Likely benign for Juvenile polyposis syndrome. Last evaluated: 2025-12-10. Review status: criteria provided, single submitter. Criteria: Invitae Variant Classification Sherloc (09022015). Collection method: clinical testing. Allele origin: germline.

PreventionGenetics, part of Exact Sciences
Classification: Likely benign for SMAD4-related condition. Last evaluated: 2025-09-30. Review status: criteria provided, single submitter. Criteria: ACMG Guidelines, 2015. Collection method: clinical testing. Allele origin: germline.
Comment: This variant is classified as likely benign based on ACMG/AMP sequence variant interpretation guidelines (Richards et al. 2015 PMID: 25741868, with internal and published modifications).

Myriad Genetics, Inc.
Classification: Benign for Juvenile polyposis/hereditary hemorrhagic telangiectasia syndrome. Last evaluated: 2025-03-18. Review status: criteria provided, single submitter. Criteria: Myriad Autosomal Dominant, Autosomal Recessive and X-Linked Classification Criteria (2023). Collection method: clinical testing. Allele origin: unknown.
Comment: This variant is considered benign. This variant is a silent/synonymous amino acid change and it is not expected to impact splicing.

ARUP Laboratories, Molecular Genetics and Genomics, ARUP Laboratories
Classification: Likely benign. Last evaluated: 2023-03-29. Review status: criteria provided, single submitter. Criteria: ARUP Molecular Germline Variant Investigation Process 2024. Collection method: clinical testing. Allele origin: germline.

Quest Diagnostics Nichols Institute San Juan Capistrano
Classification: Uncertain significance. Last evaluated: 2022-11-03. Review status: criteria provided, single submitter. Criteria: Quest Diagnostics criteria. Collection method: clinical testing. Allele origin: unknown.
Comment: To the best of our knowledge, the variant has not been reported in the published literature. The frequency of this variant in the general population, 0.0000066 (1/151730 chromosomes), is uninformative in assessment of its pathogenicity. Analysis of this variant using software algorithms for the prediction of the effect of nucleotide changes on splicing yielded predictions that this variant does not affect SMAD4 mRNA splicing . Based on the available information, we are unable to determine the clinical significance of this variant.

Ambry Genetics
Classification: Likely benign for Hereditary cancer-predisposing syndrome; Familial thoracic aortic aneurysm and aortic dissection. Last evaluated: 2021-06-08. Review status: criteria provided, single submitter. Criteria: Ambry Variant Classification Scheme 2023. Collection method: clinical testing. Allele origin: germline.

Color Diagnostics, LLC DBA Color Health
Classification: Likely benign for Hereditary cancer-predisposing syndrome. Last evaluated: 2016-12-20. Review status: criteria provided, single submitter. Criteria: ACMG Guidelines, 2015. Collection method: clinical testing. Allele origin: germline.

NM_005359.6(SMAD4):c.325C>T (p.Leu109=)

Gene: SMAD4 (SMAD family member 4; plus strand). Cytogenetic location: 18q21.2.
Variant type: single nucleotide variant.
Coding change: c.325C>T on transcript NM_005359.6 (MANE Select); coding-DNA position 325, C replaced by T.
Protein change: p.Leu109=; no amino-acid change (leucine 109 retained).
Molecular consequence: synonymous variant.
Genome position (GRCh38, 1-based): chr18:51,048,761, C>T. VCF-style: chr18-51048761-C-T. GRCh37 (hg19) VCF-style: chr18-48575131-C-T.
Identifiers: ClinVar variation 492478 (VCV000492478.20), dbSNP rs1248541873, ClinGen allele CA503873582.